The following is an entry in ClinVar:

NM_207122.1(EXT2):c.-311G>A

Genes: EXT2 (exostosin glycosyltransferase 2; plus strand), LOC130005598 (ATAC-STARR-seq lymphoblastoid silent region 3272; plus strand). Cytogenetic location: 11p11.2.
Variant type: single nucleotide variant.
Coding change: c.-311G>A on transcript NM_207122.1; 311 bases upstream of the start codon, G replaced by A.
Genome position (GRCh38, 1-based): chr11:44,095,572, G>A. VCF-style: chr11-44095572-G-A. GRCh37 (hg19) VCF-style: chr11-44117122-G-A.
Identifiers: ClinVar variation 304564 (VCV000304564.8), dbSNP rs3923808, ClinGen allele CA10630854.

ClinVar aggregate classification (germline): Benign. Review status: criteria provided, multiple submitters, no conflicts (2 of 4 stars). 2 submissions from 2 submitters: Benign (2). Last evaluated 2018-01-12.

Conditions:
Exostoses, multiple, type 2 (EXT2). Also called: EXOSTOSES, MULTIPLE, TYPE II; Hereditary Multiple Osteochondromatosis, Type II. Identifiers: Orphanet 321, MedGen C1851413, MONDO:0007586, OMIM 133701.

Allele frequency attached by ClinVar (database versions not stated): 1000 Genomes Project 0.52077; TOPMed 0.49849; gnomAD 0.50004 and 0.50593; gnomAD exomes 0.55882; 1000 Genomes Project 30x 0.51468.

Submissions (2):

Illumina Laboratory Services, Illumina
Classification: Benign for Exostoses, multiple, type 2. Last evaluated: 2018-01-12. Review status: criteria provided, single submitter. Criteria: ICSL Variant Classification Criteria 13 December 2019. Collection method: clinical testing. Allele origin: germline.
Comment: This variant was observed in the ICSL laboratory as part of a predisposition screen in an ostensibly healthy population. It had not been previously curated by ICSL or reported in the Human Gene Mutation Database (HGMD: prior to June 1st, 2018), and was therefore a candidate for classification through an automated scoring system. Utilizing variant allele frequency, disease prevalence and penetrance estimates, and inheritance mode, an automated score was calculated to assess if this variant is too frequent to cause the disease. Based on the score and internal cut-off values, a variant classified as benign is not then subjected to further curation. The score for this variant resulted in a classification of benign for this disease.

Breakthrough Genomics
Classification: Benign. Review status: criteria provided, single submitter. Criteria: ACMG Guidelines, 2015. Collection method: not provided. Allele origin: germline. Inheritance: Autosomal recessive inheritance. Affected: yes.